The following is an entry in ClinVar:

NM_001244008.2(KIF1A):c.837C>T (p.Gly279=)

Gene: KIF1A (kinesin family member 1A; minus strand). Cytogenetic location: 2q37.3.
Variant type: single nucleotide variant.
Coding change: c.837C>T on transcript NM_001244008.2 (MANE Select); coding-DNA position 837, C replaced by T.
Protein change: p.Gly279=; no amino-acid change (glycine 279 retained).
Molecular consequence: synonymous variant.
Genome position (GRCh38, 1-based): chr2:240,783,071, G>A on the plus strand (C>T on the coding strand, the complement: KIF1A is on the minus strand). VCF-style: chr2-240783071-G-A. GRCh37 (hg19) VCF-style: chr2-241722488-G-A.
Other names: c.837C>T, p.Gly279= (NM_001320705.2, NM_001330289.2, NM_001330290.2 and 20 more transcripts).
Identifiers: ClinVar variation 1385089 (VCV001385089.6), dbSNP rs2054277811, ClinGen allele CA432022507.
Genomic context (GRCh38, chr2:240,783,071, plus strand): 5'-TTCTGGCTATGGAAGCCGGGCCGGGCCACTCACCATTTCAGCCAGGGCGGAGATGACCTT[G>A]CCCAGGGTGGTCAGCGACTTGTTGATGTTGGCCCCCTCCTGCGGGCAGAAAAGACAGTGG-3'
Protein context (NP_001230937.1, residues 269-289): ANINKSLTTL[Gly279=]KVISALAEMD

ClinVar aggregate classification (germline): Uncertain significance (1 of 4 stars; one submission).

Conditions:
Hereditary spastic paraplegia 30. Identifiers: Orphanet 101010, MedGen C5235139, MONDO:0012476.
Neuropathy, hereditary sensory, type 2C. Also called: Hereditary sensory and autonomic neuropathy type IIC; KIF1A-Related HSAN2 (HSAN2C). Identifiers: Orphanet 970, MedGen C3280168, MONDO:0013634, OMIM 614213.
Intellectual disability, autosomal dominant 9 (NESCAVS). Also called: NESCAV SYNDROME; KIF1A-Related Neurodevelopmental Disorder. Identifiers: Orphanet 662367, MedGen C5393830, MONDO:0013656, OMIM 614255.

Allele frequency attached by ClinVar (database versions not stated): gnomAD 0.00001.
gnomAD v4.1: 1 of 1,613,610 alleles (0.000062%); no homozygotes.

Submission:

Labcorp Genetics (formerly Invitae), Labcorp
Classification: Uncertain significance for Hereditary spastic paraplegia 30; Neuropathy, hereditary sensory, type 2C; Intellectual disability, autosomal dominant 9. Last evaluated: 2022-07-06. Review status: criteria provided, single submitter. Criteria: Invitae Variant Classification Sherloc (09022015). Collection method: clinical testing. Allele origin: germline.
Comment: This sequence change affects codon 279 of the KIF1A mRNA. It is a 'silent' change, meaning that it does not change the encoded amino acid sequence of the KIF1A protein. This variant is not present in population databases (gnomAD no frequency). This variant has not been reported in the literature in individuals affected with KIF1A-related conditions. ClinVar contains an entry for this variant (Variation ID: 1385089). Algorithms developed to predict the effect of sequence changes on RNA splicing suggest that this variant may create or strengthen a splice site. In summary, the available evidence is currently insufficient to determine the role of this variant in disease. Therefore, it has been classified as a Variant of Uncertain Significance.